The following is an entry in ClinVar:

NM_032119.4(ADGRV1):c.2877C>T (p.Thr959=)

Gene: ADGRV1 (adhesion G protein-coupled receptor V1; plus strand). Cytogenetic location: 5q14.3.
Variant type: single nucleotide variant.
Coding change: c.2877C>T on transcript NM_032119.4 (MANE Select); coding-DNA position 2877, C replaced by T.
Protein change: p.Thr959=; no amino-acid change (threonine 959 retained).
Molecular consequence: synonymous variant. On other transcripts: non-coding transcript variant (1).
Genome position (GRCh38, 1-based): chr5:90,644,848, C>T. VCF-style: chr5-90644848-C-T. GRCh37 (hg19) VCF-style: chr5-89940665-C-T.
Other names: c.2877C>T (NM_032119.3).
Identifiers: ClinVar variation 3017845 (VCV003017845.5), dbSNP rs776470356, ClinGen allele CA445410816.

ClinVar aggregate classification (germline): Likely benign. Review status: criteria provided, single submitter (1 of 4 stars). 2 submissions from 2 submitters: Likely benign (1). 1 of the submissions does not count toward it. Last evaluated 2025-11-28.

Conditions:
ADGRV1-related disorder. Also called: ADGRV1-related condition; ADGRV1-related disorders.

Allele frequency attached by ClinVar (database versions not stated): TOPMed below 0.00001; gnomAD 0.00001; gnomAD exomes 0.00001.
gnomAD v4.1: 19 of 1,602,870 alleles (0.0012%); highest among the groups gnomAD compares: Non-Finnish European, 0.0014%; no homozygotes.

Submissions (2):

Labcorp Genetics (formerly Invitae), Labcorp
Classification: Likely benign. Last evaluated: 2025-11-28. Review status: criteria provided, single submitter. Criteria: Invitae Variant Classification Sherloc (09022015). Collection method: clinical testing. Allele origin: germline.

PreventionGenetics, part of Exact Sciences
Classification: Likely benign for ADGRV1-related condition. Last evaluated: 2020-10-26. Review status: no assertion criteria provided. Collection method: clinical testing. Allele origin: germline. Not counted in ClinVar's aggregate classification.
Comment: This variant is classified as likely benign based on ACMG/AMP sequence variant interpretation guidelines (Richards et al. 2015 PMID: 25741868, with internal and published modifications).